The following is an entry in ClinVar:

ClinVar aggregate classification (germline): Pathogenic (1 of 4 stars; one submission).

Submission:

Labcorp Genetics (formerly Invitae), Labcorp
Classification: Pathogenic. Last evaluated: 2021-09-21. Review status: criteria provided, single submitter. Criteria: Invitae Variant Classification Sherloc (09022015). Collection method: clinical testing. Allele origin: germline.
Comment: This variant is not present in population databases (ExAC no frequency). For these reasons, this variant has been classified as Pathogenic. This variant has not been reported in the literature in individuals affected with MYO7A-related conditions. This sequence change creates a premature translational stop signal (p.His1904Glnfs*6) in the MYO7A gene. It is expected to result in an absent or disrupted protein product. Loss-of-function variants in MYO7A are known to be pathogenic (PMID: 8900236, 25404053).

Literature cited by the submitters: PubMed 8900236; PubMed 25404053.

NM_000260.4(MYO7A):c.5712_5713del (p.His1904fs)

Gene: MYO7A (myosin VIIA; plus strand). Cytogenetic location: 11q13.5.
Variant type: Microsatellite.
Coding change: c.5712_5713del on transcript NM_000260.4 (MANE Select); coding-DNA positions 5712 to 5713, 2 bases deleted (CA; older notation c.5712_5713delCA).
Protein change: p.His1904fs; shifts the reading frame from histidine 1904.
Molecular consequence: frameshift variant.
Genome position (GRCh38, 1-based): chr11:77,206,172-77,206,173, CA deleted; deleting any 2 consecutive bases within chr11:77,206,170-77,206,173 gives the same sequence; the c. name uses the placement nearest the transcript's 3' end. VCF-style (leftmost placement, unchanged base first): chr11-77206169-CCA-C. GRCh37 (hg19) VCF-style: chr11-76917214-CCA-C.
Other names: c.5598_5599del, p.His1866fs (NM_001127180.2); c.5565_5566del, p.His1855fs (NM_001369365.1); short protein forms H1866fs, H1904fs, H1855fs.
Identifiers: ClinVar variation 1373207 (VCV001373207.6), dbSNP rs2135739702, ClinGen allele CA2580616395.